The following is an entry in ClinVar:

NM_002529.4(NTRK1):c.95G>T (p.Gly32Val)

Gene: NTRK1 (neurotrophic receptor tyrosine kinase 1; plus strand). Cytogenetic location: 1q23.1.
Variant type: single nucleotide variant.
Coding change: c.95G>T on transcript NM_002529.4 (MANE Select); coding-DNA position 95, G replaced by T.
Protein change: p.Gly32Val; replaces glycine 32 with valine.
Molecular consequence: missense variant. On other transcripts: intron variant (1).
Genome position (GRCh38, 1-based): chr1:156,861,029, G>T. VCF-style: chr1-156861029-G-T. GRCh37 (hg19) VCF-style: chr1-156830821-G-T.
Other names: c.95G>T, p.Gly32Val (NM_001012331.2); c.123-3325G>T (NM_001007792.1); short protein forms G32V.
Identifiers: ClinVar variation 1502739 (VCV001502739.8), dbSNP rs1343765351, ClinGen allele CA342929448.

ClinVar aggregate classification (germline): Uncertain significance (1 of 4 stars; one submission).

Conditions:
Hereditary insensitivity to pain with anhidrosis (CIPA). Also called: NTRK1 Congenital Insensitivity to Pain with Anhidrosis; FAMILIAL DYSAUTONOMIA, TYPE II; hereditary sensory and autonomic neuropathy type 4; INSENSITIVITY TO PAIN, CONGENITAL, WITH ANHIDROSIS; NEUROPATHY, CONGENITAL SENSORY, WITH ANHIDROSIS; HSAN Type IV. Identifiers: Orphanet 642, MedGen C0020074, MONDO:0009746, OMIM 256800.

Submission:

Labcorp Genetics (formerly Invitae), Labcorp
Classification: Uncertain significance for Hereditary insensitivity to pain with anhidrosis. Last evaluated: 2021-08-07. Review status: criteria provided, single submitter. Criteria: Invitae Variant Classification Sherloc (09022015). Collection method: clinical testing. Allele origin: germline.
Comment: This sequence change replaces glycine with valine at codon 32 of the NTRK1 protein (p.Gly32Val). The glycine residue is weakly conserved and there is a moderate physicochemical difference between glycine and valine. In summary, the available evidence is currently insufficient to determine the role of this variant in disease. Therefore, it has been classified as a Variant of Uncertain Significance. Advanced modeling of protein sequence and biophysical properties (such as structural, functional, and spatial information, amino acid conservation, physicochemical variation, residue mobility, and thermodynamic stability) performed at Invitae indicates that this missense variant is not expected to disrupt NTRK1 protein function. This variant has not been reported in the literature in individuals with NTRK1-related conditions. The frequency data for this variant in the population databases is considered unreliable, as metrics indicate insufficient coverage at this position in the ExAC database.